The following is an entry in ClinVar:

NM_000237.3(LPL):c.755T>C (p.Ile252Thr)

Gene: LPL (lipoprotein lipase; plus strand). Cytogenetic location: 8p21.3.
Variant type: single nucleotide variant.
Coding change: c.755T>C on transcript NM_000237.3 (MANE Select); coding-DNA position 755, T replaced by C.
Protein change: p.Ile252Thr; replaces isoleucine 252 with threonine.
Molecular consequence: missense variant.
Genome position (GRCh38, 1-based): chr8:19,954,333, T>C. VCF-style: chr8-19954333-T-C. GRCh37 (hg19) VCF-style: chr8-19811844-T-C.
Other names: I225T; short protein forms I252T.
Identifiers: ClinVar variation 1554 (VCV000001554.19), dbSNP rs118204080, ClinGen allele CA251891.

ClinVar aggregate classification (germline): Pathogenic/Likely pathogenic. Review status: criteria provided, multiple submitters, no conflicts (2 of 4 stars). 9 submissions from 9 submitters: Pathogenic (5); Likely pathogenic (3). 1 of the submissions does not count toward it. Last evaluated 2025-12-09.

Conditions:
LPL-related disorder. Also called: LPL-related condition.
Hyperlipoproteinemia, type I. Also called: Hyperlipoproteinemia type 1; Hyperchylomicro-nemia familial; Familial chylomicronemia; Hyperlipemia idiopathic Burger-Grutz type; Familial hyperlipo-proteinemia type 1; Hyperlipemia essential familial. Identifiers: Orphanet 309015, Orphanet 444490, MedGen C0023817, MONDO:0009387, OMIM 238600. Disease mechanism: loss of function.
Hyperlipidemia, familial combined, LPL related (FCHL3). Also called: Hyperapobetalipoproteinemia. Identifiers: MedGen C0020474, MONDO:0007759, OMIM 144250, HP:0008158.

Allele frequency attached by ClinVar (database versions not stated): ExAC 0.00002; gnomAD exomes 0.00002; TOPMed 0.00002.
gnomAD v4.1: 61 of 1,614,076 alleles (0.0038%); highest among the groups gnomAD compares: Non-Finnish European, 0.0049%; no homozygotes.

Submissions (9):

Labcorp Genetics (formerly Invitae), Labcorp
Classification: Pathogenic. Last evaluated: 2025-12-09. Review status: criteria provided, single submitter. Criteria: Invitae Variant Classification Sherloc (09022015). Collection method: clinical testing. Allele origin: germline.
Comment: This sequence change replaces isoleucine, which is neutral and non-polar, with threonine, which is neutral and polar, at codon 252 of the LPL protein (p.Ile252Thr). This variant is present in population databases (rs118204080, gnomAD 0.004%). This missense change has been observed in individual(s) with chylomicronemia and complete absence of LPL activity in plasma (PMID: 8228642, 9714430; internal data). In at least one individual the variant was observed to be de novo. This variant is also known as c.929T>C p.Ile225Thr. ClinVar contains an entry for this variant (Variation ID: 1554). Invitae Evidence Modeling of protein sequence and biophysical properties (such as structural, functional, and spatial information, amino acid conservation, physicochemical variation, residue mobility, and thermodynamic stability) has been performed for this missense variant. However, the output from this modeling did not meet the statistical confidence thresholds required to predict the impact of this variant on LPL protein function. Experimental studies have shown that this missense change affects LPL function (PMID: 8228642). For these reasons, this variant has been classified as Pathogenic.

Natera, Inc.
Classification: Likely pathogenic for Lipoprotein lipase deficiency. Last evaluated: 2025-10-21. Review status: criteria provided, single submitter. Criteria: Natera Variant Classification Schema (03/2026). Collection method: clinical testing. Allele origin: germline.
Comment: The c.755T>C variant in LPL is a missense variant predicted to cause substitution of isoleucine to threonine at amino acid 252. This variant is rare in the general population with a frequency below the threshold expected for the associated phenotype(s). This variant has been observed in one or more individuals affected with the associated recessive disease, as either homozygous or compound heterozygous with a second variant (PMID: 25966443, 8228642, 36879129). Functional studies show that this variant may disrupt protein function (PMID: 8228642). Computational prediction algorithms indicate this variant is likely to affect gene or protein function. Given the available evidence, this variant is classified as Likely Pathogenic.

PreventionGenetics, part of Exact Sciences
Classification: Pathogenic for LPL-related condition. Last evaluated: 2025-06-25. Review status: criteria provided, single submitter. Criteria: ACMG Guidelines, 2015. Collection method: clinical testing. Allele origin: germline.
Comment: The LPL c.755T>C variant is predicted to result in the amino acid substitution p.Ile252Thr. This variant is also referred to as p.Ile225Thr using legacy nomenclature. This variant has been reported in the compound heterozygous state in individuals with lipoprotein lipase deficiency or severe hypertriglyceridemia, and it occurred de novo in one of these individuals (Henderson et al. 1993. PubMed ID: 8228642; Henderson et al. 1998. PubMed ID: 9714430; Rabacchi et al. 2015. PubMed ID: 25966443). This variant has also been reported as a single heterozygous variant in individuals with hypertriglyceridemia (Evans et al. 2010. PubMed ID: 21159338; Surendran et al. 2012. PubMed ID: 22239554; Mendes et al. 2024. PubMed ID: 38933898). In vitro experimental studies indicate this variant impairs catalytic activity (Henderson et al. 1993. PubMed ID: 8228642). Other missense variants affecting the same amino acid (p.Ile252Asn, p.Ile252Met) have also been reported in individuals with hypertriglyceridemia (McLean et al. 2009. PubMed ID: 19447100; Yang et al. 2021. PubMed ID: 34040631). This variant is reported in 0.0035% of alleles in individuals of European (non-Finnish) descent in gnomAD and is interpreted as pathogenic/likely pathogenic in ClinVar. This variant is interpreted as pathogenic.

3billion
Classification: Pathogenic for Hyperlipoproteinemia, type I. Last evaluated: 2025-04-25. Review status: criteria provided, single submitter. Criteria: ACMG Guidelines, 2015. Collection method: clinical testing. Allele origin: germline. Affected: yes.
Comment: The variant is observed at an extremely low frequency in the gnomAD v4.1.0 dataset (total allele frequency: 0.004%). Predicted Consequence/Location: Missense variant Functional studies provide strong evidence of the variant having a damaging effect on the gene or gene product (PMID: 9714430). In silico tool predictions suggest damaging effect of the variant on gene or gene product [REVEL: 0.73 (>=0.6, sensitivity 0.68 and specificity 0.92); 3Cnet: 0.99 (> 0.75, sensitivity 0.96 and precision 0.92)]. The same nucleotide change resulting in the same amino acid change has been previously reported as pathogenic/likely pathogenic with strong evidence (ClinVar ID: VCV000001554 / PMID: 8228642). Different missense changes at the same codon (p.Ile252Asn, p.Ile252Met) have been reported to be associated with LPL-related disorder (PMID: 19447100, 34040631). Therefore, this variant is classified as Pathogenic according to the recommendation of ACMG/AMP guideline.

Fulgent Genetics
Classification: Likely pathogenic for Hyperlipidemia, familial combined, LPL related; Hyperlipoproteinemia, type I. Last evaluated: 2024-06-10. Review status: criteria provided, single submitter. Criteria: ACMG Guidelines, 2015. Collection method: clinical testing. Allele origin: germline.

Women's Health and Genetics/Laboratory Corporation of America, LabCorp
Classification: Pathogenic for Hyperlipoproteinemia, type I. Last evaluated: 2022-12-24. Review status: criteria provided, single submitter. Criteria: LabCorp Variant Classification Summary - May 2015. Collection method: clinical testing. Allele origin: germline.
Comment: Variant summary: LPL c.755T>C (p.Ile252Thr) results in a non-conservative amino acid change located in the Lipase domain (IPR013818) of the encoded protein sequence. Five of five in-silico tools predict a damaging effect of the variant on protein function. The variant allele was found at a frequency of 2e-05 in 251364 control chromosomes. c.755T>C has been reported in the literature as a compound heterozygous genotype in individuals affected with Familial Lipoprotein Lipase Deficiency (example, Henderson_1998, Evans_2011, Rabacchi_2015, Rodrigues_2016). In one of the compound heterozygous probands, it occurred as a de-novo variant on the maternal allele (Henderson_1998). At least one publication reports experimental evidence evaluating an impact on protein function (Henderson_1993). The most pronounced variant effect results in <10% of normal lipoprotein lipase activity in vitro. Three clinical diagnostic laboratories have submitted clinical-significance assessments for this variant to ClinVar after 2014 without evidence for independent evaluation. All laboratories classified the variant as pathogenic/likely pathogenic. Based on the evidence outlined above, the variant was classified as pathogenic.

Dasa
Classification: Pathogenic for Hyperlipoproteinemia, type I. Last evaluated: 2022-01-05. Review status: criteria provided, single submitter. Criteria: ACMG Guidelines, 2015. Collection method: clinical testing. Allele origin: germline. Affected: yes. Observed: 1 variant allele.
Comment: The c.755T>C;p.(Ile252Thr) missense variant has been observed in affected individual(s) and ClinVar contains an entry for this variant (Clinvar ID: 1554; PMID: 28267856; 9714430) - PS4. Well-established in vitro or in vivo functional studies support a damaging effect on the gene or gene product (PMID: 8228642; 9714430) - PS3_supporting. The variant was observed to have arisen de novo (paternity confirmed) in a patient with the disease and no family history (PMID: 9714430) - PS2.The variant is present at low allele frequencies population databases (rs118204080– gnomAD 0.0001989%; ABraOM no frequency) - PM2_supporting. The variant co-segregated with disease in multiple affected family members (PMID: 9714430) - PP1. In summary, the currently available evidence indicates that the variant is pathogenic.

Blueprint Genetics
Classification: Likely pathogenic for LPL-related disorders. Last evaluated: 2019-08-20. Review status: criteria provided, single submitter. Criteria: ACMG Guidelines, 2015. Collection method: clinical testing. Allele origin: germline. Affected: yes. Observed: 2 variant alleles.

OMIM
Classification: Pathogenic for LIPOPROTEIN LIPASE DEFICIENCY. Last evaluated: 1998-07-24. Review status: no assertion criteria provided. Collection method: literature only. Allele origin: germline. Not counted in ClinVar's aggregate classification.

Literature cited by the submitters: PubMed 8228642 (cited by 5 submitters); PubMed 9714430 (cited by 5 submitters); PubMed 25966443 (cited by Natera, Inc. and Women's Health and Genetics/Laboratory Corporation of America, LabCorp); PubMed 36879129 (cited by Natera, Inc.); PubMed 19447100 (cited by 3billion); PubMed 27055971 (cited by Women's Health and Genetics/Laboratory Corporation of America, LabCorp); PubMed 21159338 (cited by Women's Health and Genetics/Laboratory Corporation of America, LabCorp); PubMed 28267856 (cited by Dasa); PubMed 1833777 (cited by Dasa).